The following is an entry in ClinVar:

NM_001458.5(FLNC):c.6653del (p.Phe2218fs)

Genes: FLNC (filamin C; plus strand), FLNC-AS1 (FLNC antisense RNA 1; minus strand). Cytogenetic location: 7q32.1.
Variant type: Deletion.
Coding change: c.6653del on transcript NM_001458.5 (MANE Select); coding-DNA position 6653, one base deleted (T; older notation c.6653delT).
Protein change: p.Phe2218fs; shifts the reading frame from phenylalanine 2218.
Molecular consequence: frameshift variant.
Genome position (GRCh38, 1-based): chr7:128,854,142, T deleted; the last of 2 consecutive T bases (chr7:128,854,141-128,854,142); deleting either gives the same sequence. VCF-style (leftmost placement, unchanged base first): chr7-128854140-CT-C. GRCh37 (hg19) VCF-style: chr7-128494194-CT-C.
Other names: c.6554del, p.Phe2185fs (NM_001127487.2); short protein forms F2185fs, F2218fs.
Identifiers: ClinVar variation 3759317 (VCV003759317.2).
Genomic context (GRCh38, chr7:128,854,140, plus strand): 5'-GGGCGGGGAGACAAAGCGCGAGGTGCGGGTGGAGGAGTCCACCCAGGTCGGCGGGGACCC[CT>C]TCCCTGCTGTGTTTGGGGACTTCCTGGGCCGGGAGCGCCTGGGATCCTTCGGCAGCATCA-3'

ClinVar aggregate classification (germline): Pathogenic (1 of 4 stars; one submission).

Conditions:
Distal myopathy with posterior leg and anterior hand involvement. Also called: WILLIAMS DISTAL MYOPATHY. Identifiers: Orphanet 63273, MedGen C3279722, MONDO:0013550, OMIM 614065.
Hypertrophic cardiomyopathy 26. Also called: Cardiomyopathy, familial hypertrophic, 26. Identifiers: Orphanet 75249, MedGen C4310749, MONDO:0014883, OMIM 617047.
Myofibrillar myopathy 5. Also called: Filaminopathy (type); FILAMINOPATHY, AUTOSOMAL DOMINANT. Identifiers: Orphanet 171445, MedGen C1836050, MONDO:0012289, OMIM 609524.

Submission:

Labcorp Genetics (formerly Invitae), Labcorp
Classification: Pathogenic for Distal myopathy with posterior leg and anterior hand involvement; Myofibrillar myopathy 5; Hypertrophic cardiomyopathy 26. Last evaluated: 2024-09-30. Review status: criteria provided, single submitter. Criteria: Invitae Variant Classification Sherloc (09022015). Collection method: clinical testing. Allele origin: germline.
Comment: This sequence change creates a premature translational stop signal (p.Phe2218Serfs*33) in the FLNC gene. It is expected to result in an absent or disrupted protein product. Loss-of-function variants in FLNC are known to be pathogenic (PMID: 27908349). This variant is not present in population databases (gnomAD no frequency). This variant has not been reported in the literature in individuals affected with FLNC-related conditions. For these reasons, this variant has been classified as Pathogenic.

Literature cited by the submitters: PubMed 27908349.